The following is an entry in ClinVar:

NM_001367479.1(DNAH14):c.7408C>G (p.Arg2470Gly)

Gene: DNAH14 (dynein axonemal heavy chain 14; plus strand). Cytogenetic location: 1q42.12.
Variant type: single nucleotide variant.
Coding change: c.7408C>G on transcript NM_001367479.1 (MANE Select); coding-DNA position 7408, C replaced by G.
Protein change: p.Arg2470Gly; replaces arginine 2470 with glycine.
Molecular consequence: missense variant.
Genome position (GRCh38, 1-based): chr1:225,265,367, C>G. VCF-style: chr1-225265367-C-G. GRCh37 (hg19) VCF-style: chr1-225453069-C-G.
Other names: short protein forms R2470G.
Identifiers: ClinVar variation 3025616 (VCV003025616.23), dbSNP rs755940682, ClinGen allele CA345320952.
Genomic context (GRCh38, chr1:225,265,367, plus strand): 5'-ATGATTCTTAAGAAGTTAATAAGAAGAACTAAAGATACTCTTGGAGCACCAAAAAACAAC[C>G]GGGTAAAACACCTCTCATACCTGTTCAATAATCTGCTTAGGCTAGTCAAGTGATAGTTTA-3'
Protein context (NP_001354408.1, residues 2460-2480): KDTLGAPKNN[Arg2470Gly]ILIFIDDMNM

ClinVar aggregate classification (germline): Uncertain significance. Review status: criteria provided, multiple submitters, no conflicts (2 of 4 stars). 2 submissions from 2 submitters: Uncertain significance (2). Last evaluated 2025-01-22.

Conditions:
DNAH14-related neurodevelopmental disorder.

gnomAD v4.1: 1 of 1,531,604 alleles (0.000065%); highest among the groups gnomAD compares: Non-Finnish European, 0.000088%; no homozygotes.

Submissions (2):

Clinical Genomics Laboratory, Washington University in St. Louis
Classification: Uncertain significance for DNAH14-related neurodevelopmental disorder. Last evaluated: 2025-01-22. Review status: criteria provided, single submitter. Criteria: ACMG Guidelines, 2015. Collection method: clinical testing. Allele origin: germline.
Comment: The DNAH14 c.7408C>G (p.Arg2470Gly) variant, to our knowledge, has not been reported in the medical literature and is absent from the general population (gnomAD v.2.1.1), indicating it is not a common variant. This variant has been reported in the ClinVar database as a germline variant of uncertain significance by one submitter. Computational predictors suggest that the variant does not impact DNAH14 function. Due to limited information, the clinical significance of this variant is uncertain.

CeGaT Center for Human Genetics Tuebingen
Classification: Uncertain significance. Last evaluated: 2024-02-01. Review status: criteria provided, single submitter. Criteria: CeGaT Center For Human Genetics Tuebingen Variant Classification Criteria Version 2. Collection method: clinical testing. Allele origin: germline. Affected: yes. Observed: 1 variant allele.
Comment: DNAH14: PM2, BP4